The following is an entry in ClinVar:

NM_004562.3(PRKN):c.247A>G (p.Thr83Ala)

Gene: PRKN (parkin RBR E3 ubiquitin protein ligase; minus strand). Cytogenetic location: 6q26.
Variant type: single nucleotide variant.
Coding change: c.247A>G on transcript NM_004562.3 (MANE Select); coding-DNA position 247, A replaced by G.
Protein change: p.Thr83Ala; replaces threonine 83 with alanine.
Molecular consequence: missense variant. On other transcripts: intron variant (1).
Genome position (GRCh38, 1-based): chr6:162,262,690, T>C on the plus strand (A>G on the coding strand, the complement: PRKN is on the minus strand). VCF-style: chr6-162262690-T-C. GRCh37 (hg19) VCF-style: chr6-162683722-T-C.
Other names: p.Thr83Ala; c.247A>G, p.Thr83Ala (NM_013987.3); c.171+180620A>G (NM_013988.3); short protein forms T83A.
Identifiers: ClinVar variation 903886 (VCV000903886.14), dbSNP rs141825163, ClinGen allele CA4090440.

ClinVar aggregate classification (germline): Uncertain significance. Review status: criteria provided, multiple submitters, no conflicts (2 of 4 stars). 5 submissions from 5 submitters: Uncertain significance (5). Last evaluated 2025-10-07.

Conditions:
Autosomal recessive juvenile Parkinson disease 2. Also called: Parkinson disease autosomal recessive, early onset; Juvenile parkinsonism; Parkinsonism, early onset, with diurnal fluctuation; PARKINSON DISEASE, JUVENILE, AUTOSOMAL RECESSIVE; Parkinson disease, juvenile, type 2; PRKN-Related Early-Onset Parkinson Disease. Identifiers: Orphanet 2828, MedGen C1868675, MONDO:0010820, OMIM 600116.
Ovarian neoplasm. Also called: Neoplasm of ovary; Ovarian Neoplasms; Ovarian tumor. Identifiers: MedGen C0919267, MeSH D010051, MONDO:0021068, HP:0100615.
Lung cancer. Also called: Lung cancer, somatic; Malignant tumor of lung. Identifiers: MedGen C0242379, MONDO:0008903, OMIM 211980.

Allele frequency attached by ClinVar (database versions not stated): ExAC 0.00008; ESP Exome Variant Server 0.00008; gnomAD exomes 0.00008 and 0.00009; TOPMed 0.00009; gnomAD 0.00010 and 0.00011.
gnomAD v4.1: 125 of 1,612,844 alleles (0.0078%); highest among the groups gnomAD compares: Non-Finnish European, 0.009%; no homozygotes.

Submissions (5):

Mayo Clinic Laboratories, Mayo Clinic
Classification: Uncertain significance. Last evaluated: 2025-10-07. Review status: criteria provided, single submitter. Criteria: ACMG Guidelines, 2015. Collection method: clinical testing. Allele origin: germline. Observed: 1 variant allele.
Comment: BP4

Labcorp Genetics (formerly Invitae), Labcorp
Classification: Uncertain significance. Last evaluated: 2025-10-02. Review status: criteria provided, single submitter. Criteria: Invitae Variant Classification Sherloc (09022015). Collection method: clinical testing. Allele origin: germline.
Comment: This sequence change replaces threonine, which is neutral and polar, with alanine, which is neutral and non-polar, at codon 83 of the PRKN protein (p.Thr83Ala). This variant is present in population databases (rs141825163, gnomAD 0.07%). This missense change has been observed in individual(s) with early-onset Parkinson's disease (PMID: 28862745). ClinVar contains an entry for this variant (Variation ID: 903886). Invitae Evidence Modeling of protein sequence and biophysical properties (such as structural, functional, and spatial information, amino acid conservation, physicochemical variation, residue mobility, and thermodynamic stability) indicates that this missense variant is not expected to disrupt PRKN protein function with a negative predictive value of 80%. Experimental studies have shown that this missense change affects PRKN function (PMID: 25939424). In summary, the available evidence is currently insufficient to determine the role of this variant in disease. Therefore, it has been classified as a Variant of Uncertain Significance.

Fulgent Genetics
Classification: Uncertain significance for Ovarian cancer; Lung cancer; Autosomal recessive juvenile Parkinson disease 2. Last evaluated: 2022-05-24. Review status: criteria provided, single submitter. Criteria: ACMG Guidelines, 2015. Collection method: clinical testing. Allele origin: unknown.

Institute for Clinical Genetics, University Hospital TU Dresden, University Hospital TU Dresden
Classification: Uncertain significance. Last evaluated: 2021-11-03. Review status: criteria provided, single submitter. Criteria: ACMG Guidelines, 2015. Collection method: clinical testing. Allele origin: germline.

Illumina Laboratory Services, Illumina
Classification: Uncertain significance for Autosomal recessive juvenile Parkinson disease 2. Last evaluated: 2018-01-13. Review status: criteria provided, single submitter. Criteria: ICSL Variant Classification Criteria 13 December 2019. Collection method: clinical testing. Allele origin: germline.

Literature cited by the submitters: PubMed 25939424 (cited by Mayo Clinic Laboratories, Mayo Clinic and Labcorp Genetics (formerly Invitae), Labcorp); PubMed 28862745 (cited by Mayo Clinic Laboratories, Mayo Clinic and Labcorp Genetics (formerly Invitae), Labcorp); PubMed 35954270 (cited by Mayo Clinic Laboratories, Mayo Clinic).